The following is an entry in ClinVar:

ClinVar aggregate classification (germline): Uncertain significance (1 of 4 stars; one submission).

Conditions:
Hereditary cancer-predisposing syndrome. Also called: Neoplastic Syndromes, Hereditary; Tumor predisposition; Hereditary neoplastic syndrome; Hereditary Cancer Syndrome. Identifiers: Orphanet 140162, MedGen C0027672, MeSH D009386, MONDO:0015356.

Submission:

Ambry Genetics
Classification: Uncertain significance for Hereditary cancer-predisposing syndrome. Last evaluated: 2023-12-15. Review status: criteria provided, single submitter. Criteria: Ambry Variant Classification Scheme 2023. Collection method: clinical testing. Allele origin: germline.
Comment: The p.Q672H variant (also known as c.2016G>T), located in coding exon 13 of the RAD50 gene, results from a G to T substitution at nucleotide position 2016. The glutamine at codon 672 is replaced by histidine, an amino acid with highly similar properties. This amino acid position is conserved. In addition, the in silico prediction for this alteration is inconclusive. Since supporting evidence is limited at this time, the clinical significance of this alteration remains unclear.

NM_005732.4(RAD50):c.2016G>T (p.Gln672His)

Gene: RAD50 (RAD50 double strand break repair protein; plus strand). Cytogenetic location: 5q31.1.
Variant type: single nucleotide variant.
Coding change: c.2016G>T on transcript NM_005732.4 (MANE Select); coding-DNA position 2016, G replaced by T.
Protein change: p.Gln672His; replaces glutamine 672 with histidine.
Molecular consequence: missense variant.
Genome position (GRCh38, 1-based): chr5:132,595,619, G>T. VCF-style: chr5-132595619-G-T. GRCh37 (hg19) VCF-style: chr5-131931311-G-T.
Other names: short protein forms Q672H.
Identifiers: ClinVar variation 3224956 (VCV003224956.1), dbSNP rs1362511475, ClinGen allele CA360949383.